The following is an entry in ClinVar:

ClinVar aggregate classification (germline): Benign/Likely benign. Review status: criteria provided, multiple submitters, no conflicts (2 of 4 stars). 9 submissions from 9 submitters: Benign (7); Likely benign (1). 1 of the submissions does not count toward it. Last evaluated 2026-02-04.

Conditions:
Retinal dystrophy. Also called: Inherited retinal dystrophy. Identifiers: Orphanet 71862, MedGen C0854723, MeSH D058499, MONDO:0019118, HP:0000556.
Retinitis pigmentosa (RP). Identifiers: Orphanet 791, MedGen C0035334, MeSH D012174, MONDO:0019200, OMIM 268000. Inheritance: Autosomal dominant, autosomal recessive and X linked inheritance.
Retinitis pigmentosa 25 (RP25). Identifiers: Orphanet 791, MedGen C1864446, MONDO:0011272, OMIM 602772.

Allele frequency attached by ClinVar (database versions not stated): ESP Exome Variant Server 0.17083; gnomAD exomes 0.20061 and 0.16839; gnomAD 0.16264 and 0.16501; 1000 Genomes Project 0.10423; 1000 Genomes Project 30x 0.10353; TOPMed 0.14789; ExAC 0.16152.
gnomAD v4.1: 304,166 of 1,551,002 alleles (20%); highest among the groups gnomAD compares: Non-Finnish European, 22%; 31,981 homozygotes.

Submissions (9):

Labcorp Genetics (formerly Invitae), Labcorp
Classification: Benign. Last evaluated: 2026-02-04. Review status: criteria provided, single submitter. Criteria: Invitae Variant Classification Sherloc (09022015). Collection method: clinical testing. Allele origin: germline.

Women's Health and Genetics/Laboratory Corporation of America, LabCorp
Classification: Likely benign. Last evaluated: 2025-12-02. Review status: criteria provided, single submitter. Criteria: LabCorp Variant Classification Summary - May 2015. Collection method: clinical testing. Allele origin: germline.

Blueprint Genetics
Classification: Benign. Last evaluated: 2024-11-26. Review status: criteria provided, single submitter. Criteria: ACMG Guidelines, 2015. Collection method: clinical testing. Allele origin: germline.

Dept Of Ophthalmology, Nagoya University
Classification: Benign for Retinal dystrophy. Last evaluated: 2023-10-01. Review status: criteria provided, single submitter. Criteria: Submitter's publication. Collection method: research. Allele origin: germline. Affected: yes.

Genome-Nilou Lab
Classification: Benign for Retinitis pigmentosa 25. Last evaluated: 2021-07-01. Review status: criteria provided, single submitter. Criteria: ACMG Guidelines, 2015. Collection method: clinical testing. Allele origin: germline. Affected: no.

Illumina Laboratory Services, Illumina
Classification: Benign for Retinitis pigmentosa. Last evaluated: 2018-01-13. Review status: criteria provided, single submitter. Criteria: ICSL Variant Classification Criteria 13 December 2019. Collection method: clinical testing. Allele origin: germline.
Comment: This variant was observed in the ICSL laboratory as part of a predisposition screen in an ostensibly healthy population. It had not been previously curated by ICSL or reported in the Human Gene Mutation Database (HGMD: prior to June 1st, 2018), and was therefore a candidate for classification through an automated scoring system. Utilizing variant allele frequency, disease prevalence and penetrance estimates, and inheritance mode, an automated score was calculated to assess if this variant is too frequent to cause the disease. Based on the score and internal cut-off values, a variant classified as benign is not then subjected to further curation. The score for this variant resulted in a classification of benign for this disease.

Eurofins Ntd Llc (ga)
Classification: Benign. Last evaluated: 2014-03-03. Review status: criteria provided, single submitter. Criteria: EGL Classification Definitions 2015. Collection method: clinical testing. Allele origin: germline. Observed: 2 variant alleles, 2 heterozygotes.

GeneDx
Classification: Benign. Last evaluated: 2011-07-05. Review status: criteria provided, single submitter. Criteria: GeneDx Variant Classification (06012015). Collection method: clinical testing. Allele origin: germline. Affected: yes.
Comment: This variant is considered likely benign or benign based on one or more of the following criteria: it is a conservative change, it occurs at a poorly conserved position in the protein, it is predicted to be benign by multiple in silico algorithms, and/or has population frequency not consistent with disease.

Natera, Inc.
Classification: Benign for Retinitis pigmentosa. Last evaluated: 2020-09-16. Review status: no assertion criteria provided. Collection method: clinical testing. Allele origin: germline. Not counted in ClinVar's aggregate classification.

NM_001142800.2(EYS):c.1922A>T (p.Glu641Val)

Gene: EYS (EGF-like photoreceptor maintenance factor; minus strand). Cytogenetic location: 6q12.
Variant type: single nucleotide variant.
Coding change: c.1922A>T on transcript NM_001142800.2 (MANE Select); coding-DNA position 1922, A replaced by T.
Protein change: p.Glu641Val; replaces glutamic acid 641 with valine.
Molecular consequence: missense variant.
Genome position (GRCh38, 1-based): chr6:65,295,964, T>A on the plus strand (A>T on the coding strand, the complement: EYS is on the minus strand). VCF-style: chr6-65295964-T-A. GRCh37 (hg19) VCF-style: chr6-66005857-T-A.
Other names: p.E641V:GAG>GTG; c.1922A>T, p.Glu641Val (NM_001292009.2); c.1922A>T (FM209056.1); short protein forms E641V.
Identifiers: ClinVar variation 137268 (VCV000137268.24), dbSNP rs17411795, ClinGen allele CA180016.